The following is an entry in ClinVar:

ClinVar aggregate classification (germline): Conflicting classifications of pathogenicity. Review status: criteria provided, conflicting classifications (1 of 4 stars). 12 submissions from 12 submitters: Uncertain significance (11); Likely benign (1). Last evaluated 2026-10-01.

Conditions:
RAD51D-related disorder. Also called: RAD51D-related condition.
Hereditary cancer-predisposing syndrome. Also called: Hereditary neoplastic syndrome; Tumor predisposition; Neoplastic Syndromes, Hereditary; Hereditary Cancer Syndrome. Identifiers: Orphanet 140162, MedGen C0027672, MeSH D009386, MONDO:0015356.
Breast-ovarian cancer, familial, susceptibility to, 4. Identifiers: Orphanet 145, MedGen C3280345, MONDO:0013669, OMIM 614291.

Allele frequency attached by ClinVar (database versions not stated): gnomAD exomes 0.00002 and 0.00004; ExAC 0.00005; ESP Exome Variant Server 0.00008; TOPMed 0.00019; gnomAD 0.00021 and 0.00023.
gnomAD v4.1: 57 of 1,613,978 alleles (0.0035%); highest among the groups gnomAD compares: African/African-American, 0.053%; no homozygotes.

Submissions (12):

St. Jude Molecular Pathology, St. Jude Children's Research Hospital
Classification: Uncertain significance for Breast-ovarian cancer, familial, susceptibility to, 4. Last evaluated: 2026-10-01. Review status: criteria provided, single submitter. Criteria: St. Jude Assertion Criteria 2020. Collection method: clinical testing. Allele origin: germline.
Comment: The RAD51D c.434G>A p.(Arg145His) missense change has a maximum subpopulation frequency of 0.056% in gnomAD v2.1.1 (d.). The in silico tool REVEL is inconclusive about a pathogenic or benign effect of this variant on protein function, and to our knowledge functional studies have not been performed. This variant has been reported in individuals with breast (PMID: 30111881, 37231433) and ovarian cancer (PMID: 35954363). In summary, the evidence currently available is insufficient to determine the clinical significance of this variant. It has therefore been classified as of uncertain significance (VUS -Low).

Labcorp Genetics (formerly Invitae), Labcorp
Classification: Uncertain significance for Breast-ovarian cancer, familial, susceptibility to, 4. Last evaluated: 2026-01-26. Review status: criteria provided, single submitter. Criteria: Invitae Variant Classification Sherloc (09022015). Collection method: clinical testing. Allele origin: germline.
Comment: This sequence change replaces arginine, which is basic and polar, with histidine, which is basic and polar, at codon 145 of the RAD51D protein (p.Arg145His). This variant is present in population databases (rs147264215, gnomAD 0.05%), and has an allele count higher than expected for a pathogenic variant. This missense change has been observed in individual(s) with RAD51D-related disease (PMID: 30111881). ClinVar contains an entry for this variant (Variation ID: 187149). Invitae Evidence Modeling of protein sequence and biophysical properties (such as structural, functional, and spatial information, amino acid conservation, physicochemical variation, residue mobility, and thermodynamic stability) has been performed for this missense variant. However, the output from this modeling did not meet the statistical confidence thresholds required to predict the impact of this variant on RAD51D protein function. In summary, the available evidence is currently insufficient to determine the role of this variant in disease. Therefore, it has been classified as a Variant of Uncertain Significance.

Color Diagnostics, LLC DBA Color Health
Classification: Uncertain significance for Hereditary cancer-predisposing syndrome. Last evaluated: 2025-11-10. Review status: criteria provided, single submitter. Criteria: ACMG Guidelines, 2015. Collection method: clinical testing. Allele origin: germline.
Comment: This missense variant replaces arginine with histidine at codon 145 of the RAD51D protein. Computational prediction is inconclusive regarding the impact of this variant on protein structure and function. To our knowledge, functional studies have not been performed for this variant. This variant has been reported in an individual affected with breast cancer (PMID: 30111881). In a large breast cancer case-control meta-analysis, this variant was identified in 2/60466 cases and 1/53461 controls (OR=1.768, 95%CI 0.16 to 19.503, p-value=1PMID: 33471991 - Leiden Open Variation Database DB-ID RAD51D_000140). This variant has also been identified in 16/282828 chromosomes in the general population by the Genome Aggregation Database (gnomAD). The available evidence is insufficient to determine the role of this variant in disease conclusively. Therefore, this variant is classified as a Variant of Uncertain Significance.

Quest Diagnostics Nichols Institute San Juan Capistrano
Classification: Likely benign. Last evaluated: 2025-10-20. Review status: criteria provided, single submitter. Criteria: Quest Diagnostics criteria. Collection method: clinical testing. Allele origin: unknown.

GeneDx
Classification: Uncertain significance. Last evaluated: 2025-08-07. Review status: criteria provided, single submitter. Criteria: GeneDx Variant Classification Process June 2021. Collection method: clinical testing. Allele origin: germline. Affected: yes.
Comment: In silico analysis supports that this missense variant has a deleterious effect on protein structure/function; Observed in individuals with breast or prostate cancer, as well as in both cases and controls from a breast cancer study (PMID: 30111881, 32832836, 33471991); This variant is associated with the following publications: (PMID: 26057125, 27720647, 30111881, 33471991, 32832836, 21111057, 14704354, 19327148)

PreventionGenetics, part of Exact Sciences
Classification: Uncertain significance for RAD51D-related condition. Last evaluated: 2025-06-26. Review status: criteria provided, single submitter. Criteria: ACMG Guidelines, 2015. Collection method: clinical testing. Allele origin: germline.
Comment: The RAD51D c.434G>A variant is predicted to result in the amino acid substitution p.Arg145His. This variant has been reported as uncertain in a study of Greek patients with breast and ovarian cancer (Konstanta et al. 2018. PubMed ID: 30111881), and was reported in two individuals with breast cancer and one healthy control in a large study of breast cancer susceptibility genes (Breast Cancer Association Consortium et al. 2021. PubMed ID: 33471991). This variant is reported in 0.056% of alleles in individuals of African descent in gnomAD and has been interpreted as variant of uncertain significance in the ClinVar database (Variation ID: 187149). At this time, the clinical significance of this variant is uncertain due to the absence of conclusive functional and genetic evidence.

Ambry Genetics
Classification: Uncertain significance for Hereditary cancer-predisposing syndrome. Last evaluated: 2025-01-20. Review status: criteria provided, single submitter. Criteria: Ambry Variant Classification Scheme 2023. Collection method: clinical testing. Allele origin: germline.
Comment: The p.R145H variant (also known as c.434G>A), located in coding exon 5 of the RAD51D gene, results from a G to A substitution at nucleotide position 434. The arginine at codon 145 is replaced by histidine, an amino acid with highly similar properties. This variant was identified in a cohort of 3,579 African males diagnosed with prostate cancer who underwent multi-gene panel testing of 19 DNA repair and cancer predisposition genes (Matejcic M et al. JCO Precis Oncol, 2020 Jan;4:32-43). This amino acid position is highly conserved in available vertebrate species. In addition, this alteration is predicted to be deleterious by in silico analysis. Based on the available evidence, the clinical significance of this variant remains unclear.

Baylor Genetics
Classification: Uncertain significance for Breast-ovarian cancer, familial, susceptibility to, 4. Last evaluated: 2024-03-24. Review status: criteria provided, single submitter. Criteria: ACMG Guidelines, 2015. Collection method: clinical testing. Allele origin: unknown.

Fulgent Genetics
Classification: Uncertain significance for Breast-ovarian cancer, familial, susceptibility to, 4. Last evaluated: 2021-12-18. Review status: criteria provided, single submitter. Criteria: ACMG Guidelines, 2015. Collection method: clinical testing. Allele origin: unknown.

Sema4
Classification: Uncertain significance for Hereditary cancer-predisposing syndrome. Last evaluated: 2021-06-15. Review status: criteria provided, single submitter. Criteria: Sema4 Curation Guidelines. Collection method: curation. Allele origin: germline.
Comment: The RAD51D c.434G>A (p.R145H) variant has been reported in at least 3 individuals with breast cancer but has also been reported in a healthy control individual (PMID: 30111881, 33471991). It was observed in 14/24952 chromosomes of the African/African American subpopulation, with no homozygotes, in the large and broad cohorts of the Genome Aggregation Database (PMID: 32461654). The variant has been reported in ClinVar (Variation ID 187149). In silico tools suggest the impact of the variant on protein function is inconclusive, though these predictions have not been confirmed by functional studies. The evidence is insufficient to meet ACMG/AMP criteria for classifying the variant as benign or pathogenic. Thus, the clinical significance of this variant is currently uncertain.

Eurofins Ntd Llc (ga)
Classification: Uncertain significance. Last evaluated: 2018-03-09. Review status: criteria provided, single submitter. Criteria: EGL ClinVar v180209 classification definitions. Collection method: clinical testing. Allele origin: germline. Observed: 1 variant allele, 1 heterozygote.

Women's Health and Genetics/Laboratory Corporation of America, LabCorp
Classification: Uncertain significance. Last evaluated: 2016-12-05. Review status: criteria provided, single submitter. Criteria: LabCorp Variant Classification Summary - May 2015. Collection method: clinical testing. Allele origin: germline.
Comment: Variant summary: The RAD51D c.434G>A (p.Arg145His) variant located in the P-loop containing nucleoside triphosphate hydrolase and C-terminal domain (via InterPro) causes a missense change involving a conserved nucleotide, which 4/4 in silico tools (SNPs&Go not captured here due to low reliability index) predict a "damaging" outcome, although these predictions have yet to be functionally assessed. The variant of interest was observed in the large, broad control population, ExAC, with an allele frequency of 6/121410 (1/20242), which does not exceed the estimated maximal expected allele frequency for a pathogenic RAD51D variant of 1/8000. One clinical diagnostic laboratory has classified this variant as uncertain significance. The variant of interest has been reported in at least one patient sample referred for NGS-based multigene hereditary-cancer testing without strong evidence for causality (Mu_2016). Taken together, the variant is classified as a variant of uncertain significance (VUS), until additional information becomes available.

Literature cited by the submitters: PubMed 30111881 (cited by 4 submitters); PubMed 37231433 (cited by Quest Diagnostics Nichols Institute San Juan Capistrano); PubMed 35954363 (cited by Quest Diagnostics Nichols Institute San Juan Capistrano); PubMed 33471991 (cited by Quest Diagnostics Nichols Institute San Juan Capistrano and Sema4); PubMed 32832836 (cited by Quest Diagnostics Nichols Institute San Juan Capistrano and Ambry Genetics); PubMed 27720647 (cited by Quest Diagnostics Nichols Institute San Juan Capistrano and Women's Health and Genetics/Laboratory Corporation of America, LabCorp).

NM_002878.4(RAD51D):c.434G>A (p.Arg145His)

Genes: RAD51D (RAD51 paralog D; minus strand), RAD51L3-RFFL (RAD51L3-RFFL readthrough; minus strand). Cytogenetic location: 17q12.
Variant type: single nucleotide variant.
Coding change: c.434G>A on transcript NM_002878.4 (MANE Select); coding-DNA position 434, G replaced by A.
Protein change: p.Arg145His; replaces arginine 145 with histidine.
Molecular consequence: missense variant. On other transcripts: non-coding transcript variant (1), intron variant (1).
Genome position (GRCh38, 1-based): chr17:35,107,034, C>T on the plus strand (G>A on the coding strand, the complement: RAD51D is on the minus strand). VCF-style: chr17-35107034-C-T. GRCh37 (hg19) VCF-style: chr17-33434053-C-T.
Other names: c.494G>A, p.Arg165His (NM_001142571.2); c.145-553G>A (NM_133629.3); short protein forms R145H, R165H.
Identifiers: ClinVar variation 187149 (VCV000187149.41), dbSNP rs147264215, ClinGen allele CA196856.
Genomic context (GRCh38, chr17:35,107,034, plus strand): 5'-CATCCTGCCCTTACCTGTTCCTCCTCATCCTGGGTTTTAGCCTGAAGCAGCTGGAGGAGG[C>T]GGGAAGCTGTCAGCCCTCCATTGGAATCTACATATAGGACGTTTTGCTGCAGGCCATGGG-3'
Protein context (NP_002869.3, residues 135-155): VDSNGGLTAS[Arg145His]LLQLLQAKTQ